The following is an entry in ClinVar:

NM_000038.6(APC):c.7334A>C (p.Lys2445Thr)

Gene: APC (APC regulator of Wnt signaling pathway; plus strand). Cytogenetic location: 5q22.2.
Variant type: single nucleotide variant.
Coding change: c.7334A>C on transcript NM_000038.6 (MANE Select); coding-DNA position 7334, A replaced by C.
Protein change: p.Lys2445Thr; replaces lysine 2445 with threonine.
Molecular consequence: missense variant. On other transcripts: non-coding transcript variant (2).
Genome position (GRCh38, 1-based): chr5:112,842,928, A>C. VCF-style: chr5-112842928-A-C. GRCh37 (hg19) VCF-style: chr5-112178625-A-C.
Other names: c.7334A>C, p.Lys2445Thr (NM_001127510.3, NM_001354895.2, NM_001407450.1); c.7280A>C, p.Lys2427Thr (NM_001127511.3); c.7388A>C, p.Lys2463Thr (NM_001354896.2, NM_001407447.1, NM_001407448.1 and 1 more transcripts); c.7364A>C, p.Lys2455Thr (NM_001354897.2); c.7259A>C, p.Lys2420Thr (NM_001354898.2); c.7250A>C, p.Lys2417Thr (NM_001354899.2); c.7211A>C, p.Lys2404Thr (NM_001354900.2); c.7157A>C, p.Lys2386Thr (NM_001354901.2, NM_001407453.1); and 11 more; short protein forms K2316T, K2420T, K2435T, K2061T, K2354T, K2404T, K2438T, K2162T.
Identifiers: ClinVar variation 3882416 (VCV003882416.1).
Genomic context (GRCh38, chr5:112,842,928, plus strand): 5'-GTGGAAGTGAATCTGATAGATCAGAAAGACCTGTATTAGTACGCCAGTCAACTTTCATCA[A>C]AGAAGCTCCAAGCCCAACCTTAAGAAGAAAATTGGAGGAATCTGCTTCATTTGAATCTCT-3'
Protein context (NP_000029.2, residues 2435-2455): PVLVRQSTFI[Lys2445Thr]EAPSPTLRRK

ClinVar aggregate classification (germline): Uncertain significance (1 of 4 stars; one submission).

Conditions:
Hereditary cancer-predisposing syndrome. Also called: Tumor predisposition; Neoplastic Syndromes, Hereditary; Hereditary Cancer Syndrome; Hereditary neoplastic syndrome. Identifiers: Orphanet 140162, MedGen C0027672, MeSH D009386, MONDO:0015356.

Submission:

Ambry Genetics
Classification: Uncertain significance for Hereditary cancer-predisposing syndrome. Last evaluated: 2025-02-14. Review status: criteria provided, single submitter. Criteria: Ambry Variant Classification Scheme 2023. Collection method: clinical testing. Allele origin: germline.
Comment: The p.K2445T variant (also known as c.7334A>C), located in coding exon 15 of the APC gene, results from an A to C substitution at nucleotide position 7334. The lysine at codon 2445 is replaced by threonine, an amino acid with similar properties. This amino acid position is conserved. In addition, in silico predictors for this gene do not accurately predict pathogenicity. Based on the available evidence, the clinical significance of this variant remains unclear.